The following is an entry in ClinVar:

NM_004984.4(KIF5A):c.2458A>T (p.Ser820Cys)

Gene: KIF5A (kinesin family member 5A; plus strand). Cytogenetic location: 12q13.3.
Variant type: single nucleotide variant.
Coding change: c.2458A>T on transcript NM_004984.4 (MANE Select); coding-DNA position 2458, A replaced by T.
Protein change: p.Ser820Cys; replaces serine 820 with cysteine.
Molecular consequence: missense variant.
Genome position (GRCh38, 1-based): chr12:57,578,262, A>T. VCF-style: chr12-57578262-A-T. GRCh37 (hg19) VCF-style: chr12-57972045-A-T.
Other names: c.2191A>T, p.Ser731Cys (NM_001354705.2); short protein forms S731C, S820C.
Identifiers: ClinVar variation 4688302 (VCV004688302.1).

ClinVar aggregate classification (germline): Uncertain significance (1 of 4 stars; one submission).

Submission:

Women's Health and Genetics/Laboratory Corporation of America, LabCorp
Classification: Uncertain significance. Last evaluated: 2025-12-30. Review status: criteria provided, single submitter. Criteria: LabCorp Variant Classification Summary - May 2015. Collection method: clinical testing. Allele origin: germline.
Comment: Variant summary: KIF5A c.2458A>T (p.Ser820Cys) results in a non-conservative amino acid change in the encoded protein sequence. Algorithms developed to predict the effect of missense changes on protein structure and function all suggest that this variant is likely to be disruptive. The variant was absent in 251314 control chromosomes. The available data on variant occurrences in the general population are insufficient to allow any conclusion about variant significance. To our knowledge, no occurrence of c.2458A>T in individuals affected with KIF5A-related conditions and no experimental evidence demonstrating its impact on protein function have been reported. No submitters have cited clinical-significance assessments for this variant to ClinVar. Based on the evidence outlined above, the variant was classified as uncertain significance.